The following is an entry in ClinVar:

NM_014845.6(FIG4):c.1434G>A (p.Gln478=)

Gene: FIG4 (FIG4 phosphoinositide 5-phosphatase; plus strand). Cytogenetic location: 6q21.
Variant type: single nucleotide variant.
Coding change: c.1434G>A on transcript NM_014845.6 (MANE Select); coding-DNA position 1434, G replaced by A.
Protein change: p.Gln478=; no amino-acid change (glutamine 478 retained).
Molecular consequence: synonymous variant.
Genome position (GRCh38, 1-based): chr6:109,763,982, G>A. VCF-style: chr6-109763982-G-A. GRCh37 (hg19) VCF-style: chr6-110085185-G-A.
Identifiers: ClinVar variation 848874 (VCV000848874.5), dbSNP rs1430381590, ClinGen allele CA451755158.
Genomic context (GRCh38, chr6:109,763,982, plus strand): 5'-TATTTTTAAACACAGGTGGAATGAACTAGGAGGATGTGTGATTCCCACTGGTCGCCTGCA[G>A]GTATACACAGTATTACAATTCGTAATGAATAGAATCTGTATCCATTGTGTACTGTATGTT-3'
Protein context (NP_055660.1, residues 468-488): GGCVIPTGRL[Gln478=]TGILRTNCVD

ClinVar aggregate classification (germline): Uncertain significance (1 of 4 stars; one submission).

Conditions:
Charcot-Marie-Tooth disease type 4. Also called: Charcot-Marie-Tooth disease, type IV; Charcot-Marie-Tooth, Type 4. Identifiers: Orphanet 64749, MedGen C4082197, MONDO:0018995.

Allele frequency attached by ClinVar (database versions not stated): gnomAD exomes below 0.00001; TOPMed below 0.00001; gnomAD 0.00001.
gnomAD v4.1: 2 of 1,592,294 alleles (0.00013%); highest among the groups gnomAD compares: Admixed American, 0.0017%; no homozygotes.

Submission:

Labcorp Genetics (formerly Invitae), Labcorp
Classification: Uncertain significance for Charcot-Marie-Tooth disease type 4. Last evaluated: 2022-01-14. Review status: criteria provided, single submitter. Criteria: Invitae Variant Classification Sherloc (09022015). Collection method: clinical testing. Allele origin: germline.
Comment: This sequence change affects codon 478 of the FIG4 mRNA. It is a 'silent' change, meaning that it does not change the encoded amino acid sequence of the FIG4 protein. This variant also falls at the last nucleotide of exon 13, which is part of the consensus splice site for this exon. This variant is present in population databases (no rsID available, gnomAD 0.1%). This variant has not been reported in the literature in individuals affected with FIG4-related conditions. ClinVar contains an entry for this variant (Variation ID: 848874). Variants that disrupt the consensus splice site are a relatively common cause of aberrant splicing (PMID: 17576681, 9536098). Algorithms developed to predict the effect of sequence changes on RNA splicing suggest that this variant may disrupt the consensus splice site. In summary, the available evidence is currently insufficient to determine the role of this variant in disease. Therefore, it has been classified as a Variant of Uncertain Significance.

Literature cited by the submitters: PubMed 17576681; PubMed 9536098.